The following is an entry in ClinVar:

NM_001165963.4(SCN1A):c.4338+12T>C

Genes: SCN1A (sodium voltage-gated channel alpha subunit 1; minus strand), LOC102724058 (uncharacterized LOC102724058; plus strand). Cytogenetic location: 2q24.3.
Variant type: single nucleotide variant.
Coding change: c.4338+12T>C on transcript NM_001165963.4 (MANE Select); 12 bases into the intron after coding-DNA position 4338, T replaced by C.
Molecular consequence: intron variant.
Genome position (GRCh38, 1-based): chr2:165,999,711, A>G on the plus strand (T>C on the coding strand, the complement: SCN1A is on the minus strand). VCF-style: chr2-165999711-A-G. GRCh37 (hg19) VCF-style: chr2-166856221-A-G.
Other names: c.4305+12T>C (NM_001353949.2, NM_001353950.2, NM_001353951.2 and 2 more transcripts); c.4254+12T>C (NM_001353958.2, NM_001353957.2, NM_001165964.3); c.4338+12T>C (NM_001202435.3, NM_001353948.2); c.4302+12T>C (NM_001353955.2, NM_001353954.2); c.4251+12T>C (NM_001353960.2); c.1896+12T>C (NM_001353961.2).
Identifiers: ClinVar variation 378517 (VCV000378517.6), dbSNP rs761062999, ClinGen allele CA1942820.

ClinVar aggregate classification (germline): Likely benign. Review status: criteria provided, multiple submitters, no conflicts (2 of 4 stars). 3 submissions from 3 submitters: Likely benign (3). Last evaluated 2022-04-25.

Conditions:
Early-infantile DEE. Also called: Ohtahara syndrome; Early infantile epileptic encephalopathy; Early infantile epileptic encephalopathy with suppression bursts. Identifiers: Orphanet 1934, MedGen C0393706, MONDO:0800491.

Allele frequency attached by ClinVar (database versions not stated): ExAC 0.00001; gnomAD 0.00001; gnomAD exomes 0.00001 and 0.00002; TOPMed 0.00001.
gnomAD v4.1: 30 of 1,579,204 alleles (0.0019%); highest among the groups gnomAD compares: Non-Finnish European, 0.0023%; no homozygotes.

Submissions (3):

Labcorp Genetics (formerly Invitae), Labcorp
Classification: Likely benign for Early-infantile DEE. Last evaluated: 2022-04-25. Review status: criteria provided, single submitter. Criteria: Invitae Variant Classification Sherloc (09022015). Collection method: clinical testing. Allele origin: germline.

Blueprint Genetics
Classification: Likely benign. Last evaluated: 2020-05-22. Review status: criteria provided, single submitter. Criteria: ACMG Guidelines, 2015. Collection method: clinical testing. Allele origin: germline.

GeneDx
Classification: Likely benign. Last evaluated: 2016-06-21. Review status: criteria provided, single submitter. Criteria: GeneDx Variant Classification (06012015). Collection method: clinical testing. Allele origin: germline. Affected: yes.
Comment: This variant is considered likely benign or benign based on one or more of the following criteria: it is a conservative change, it occurs at a poorly conserved position in the protein, it is predicted to be benign by multiple in silico algorithms, and/or has population frequency not consistent with disease.